The following is an entry in ClinVar:

NM_018341.3(ERMARD):c.1295C>T (p.Pro432Leu)

Gene: ERMARD (ER membrane associated RNA degradation; plus strand). Cytogenetic location: 6q27.
Variant type: single nucleotide variant.
Coding change: c.1295C>T on transcript NM_018341.3 (MANE Select); coding-DNA position 1295, C replaced by T.
Protein change: p.Pro432Leu; replaces proline 432 with leucine.
Molecular consequence: missense variant.
Genome position (GRCh38, 1-based): chr6:169,773,380, C>T. VCF-style: chr6-169773380-C-T. GRCh37 (hg19) VCF-style: chr6-170173476-C-T.
Other names: c.1295C>T, p.Pro432Leu (NM_001278531.2, NM_001278533.2); c.917C>T, p.Pro306Leu (NM_001278532.2); c.887C>T, p.Pro296Leu (NM_001410957.1); c.1295C>T (NM_018341.1); short protein forms P306L, P296L, P432L.
Identifiers: ClinVar variation 2712410 (VCV002712410.4), dbSNP rs375856725, ClinGen allele CA4106190.

ClinVar aggregate classification (germline): Uncertain significance. Review status: criteria provided, multiple submitters, no conflicts (2 of 4 stars). 2 submissions from 2 submitters: Uncertain significance (2). Last evaluated 2024-05-28.

Allele frequency attached by ClinVar (database versions not stated): gnomAD 0.00006; TOPMed 0.00006; ESP Exome Variant Server 0.00008.
gnomAD v4.1: 155 of 1,613,956 alleles (0.0096%); highest among the groups gnomAD compares: Middle Eastern, 0.033%; no homozygotes.

Submissions (2):

Ambry Genetics
Classification: Uncertain significance. Last evaluated: 2024-05-28. Review status: criteria provided, single submitter. Criteria: Ambry Variant Classification Scheme 2023. Collection method: clinical testing. Allele origin: germline.

Labcorp Genetics (formerly Invitae), Labcorp
Classification: Uncertain significance. Last evaluated: 2023-12-01. Review status: criteria provided, single submitter. Criteria: Invitae Variant Classification Sherloc (09022015). Collection method: clinical testing. Allele origin: germline.
Comment: This sequence change replaces proline, which is neutral and non-polar, with leucine, which is neutral and non-polar, at codon 432 of the ERMARD protein (p.Pro432Leu). This variant is present in population databases (rs375856725, gnomAD 0.008%). This variant has not been reported in the literature in individuals affected with ERMARD-related conditions. Advanced modeling of protein sequence and biophysical properties (such as structural, functional, and spatial information, amino acid conservation, physicochemical variation, residue mobility, and thermodynamic stability) performed at Invitae indicates that this missense variant is expected to disrupt ERMARD protein function with a positive predictive value of 80%. In summary, the available evidence is currently insufficient to determine the role of this variant in disease. Therefore, it has been classified as a Variant of Uncertain Significance.